The following is an entry in ClinVar:

NM_005219.5(DIAPH1):c.1821TCC[15] (p.Pro617_Pro620dup)

Gene: DIAPH1 (diaphanous related formin 1; minus strand). Cytogenetic location: 5q31.3.
Variant type: Microsatellite.
Coding change: c.1821TCC[15] on transcript NM_005219.5 (MANE Select); 15 copies in a row of the 3-base unit TCC starting at c.1821; the reference has 11 copies in a row; four copies, 12 bases duplicated.
Protein change: p.Pro617_Pro620dup.
Molecular consequence: inframe insertion.
Genome position (GRCh38, 1-based): chr5:141,573,997-141,574,008, GGAGGAGGAGGA duplicated on the plus strand (TCCTCCTCCTCC on the coding strand, the reverse complement: DIAPH1 is on the minus strand); duplicating any 12 consecutive bases within chr5:141,573,997-141,574,030 gives the same sequence; the position shown is the placement nearest the transcript's 3' end. VCF-style (leftmost placement, unchanged base first): chr5-141573996-T-TGGAGGAGGAGGA. GRCh37 (hg19) VCF-style: chr5-140953563-T-TGGAGGAGGAGGA.
Other names: c.1794TCC[15], p.Pro608_Pro611dup (NM_001079812.3); c.1821TCC[15], p.Pro617_Pro620dup (NM_001314007.2).
Identifiers: ClinVar variation 840731 (VCV000840731.9), dbSNP rs3075570, ClinGen allele CA913108378.

ClinVar aggregate classification (germline): Uncertain significance. Review status: criteria provided, multiple submitters, no conflicts (2 of 4 stars). 2 submissions from 2 submitters: Uncertain significance (2). Last evaluated 2024-10-22.

Conditions:
Progressive microcephaly-seizures-cortical blindness-developmental delay syndrome. Also called: Seizures, cortical blindness, and microcephaly syndrome. Identifiers: Orphanet 477814, MedGen C5567650, MONDO:0014714, OMIM 616632.
Autosomal dominant nonsyndromic hearing loss 1. Also called: KONIGSMARK SYNDROME; DEAFNESS, AUTOSOMAL DOMINANT 1, WITH OR WITHOUT THROMBOCYTOPENIA. Identifiers: Orphanet 90635, MedGen C1852282, MONDO:0007424, OMIM 124900.

Submissions (2):

Blueprint Genetics
Classification: Uncertain significance. Last evaluated: 2024-10-22. Review status: criteria provided, single submitter. Criteria: ACMG Guidelines, 2015. Collection method: clinical testing. Allele origin: germline.

Labcorp Genetics (formerly Invitae), Labcorp
Classification: Uncertain significance for Progressive microcephaly-seizures-cortical blindness-developmental delay syndrome; Autosomal dominant nonsyndromic hearing loss 1. Last evaluated: 2023-08-17. Review status: criteria provided, single submitter. Criteria: Invitae Variant Classification Sherloc (09022015). Collection method: clinical testing. Allele origin: germline.
Comment: In summary, the available evidence is currently insufficient to determine the role of this variant in disease. Therefore, it has been classified as a Variant of Uncertain Significance. Experimental studies and prediction algorithms are not available or were not evaluated, and the functional significance of this variant is currently unknown. ClinVar contains an entry for this variant (Variation ID: 840731). This variant has not been reported in the literature in individuals affected with DIAPH1-related conditions. This variant is not present in population databases (gnomAD no frequency). This variant, c.1842_1853dup, results in the insertion of 4 amino acid(s) of the DIAPH1 protein (p.Pro617_Pro620dup), but otherwise preserves the integrity of the reading frame.